The following is an entry in ClinVar:

NM_001199138.2(NLRC4):c.476A>G (p.Gln159Arg)

Gene: NLRC4 (NLR family CARD domain containing 4; minus strand). Cytogenetic location: 2p22.3.
Variant type: single nucleotide variant.
Coding change: c.476A>G on transcript NM_001199138.2 (MANE Select); coding-DNA position 476, A replaced by G.
Protein change: p.Gln159Arg; replaces glutamine 159 with arginine.
Molecular consequence: missense variant. On other transcripts: intron variant (1).
Genome position (GRCh38, 1-based): chr2:32,251,388, T>C on the plus strand (A>G on the coding strand, the complement: NLRC4 is on the minus strand). VCF-style: chr2-32251388-T-C. GRCh37 (hg19) VCF-style: chr2-32476457-T-C.
Other names: c.476A>G, p.Gln159Arg (NM_021209.5, NM_001199139.2); c.262+1031A>G (NM_001302504.1); short protein forms Q159R.
Identifiers: ClinVar variation 655811 (VCV000655811.11), dbSNP rs200238071, ClinGen allele CA1602140.

ClinVar aggregate classification (germline): Uncertain significance. Review status: criteria provided, multiple submitters, no conflicts (2 of 4 stars). 2 submissions from 2 submitters: Uncertain significance (2). Last evaluated 2025-10-11.

Conditions:
Inborn genetic diseases. Identifiers: MedGen C0950123, MeSH D030342.
Periodic fever-infantile enterocolitis-autoinflammatory syndrome. Also called: Autoinflammation with infantile enterocolitis. Identifiers: Orphanet 436166, MedGen C4015067, MONDO:0014472, OMIM 616050.
Familial cold autoinflammatory syndrome 4 (FCAS4). Identifiers: Orphanet 47045, Orphanet 576349, MedGen C4015276, MONDO:0014498, OMIM 616115.

Allele frequency attached by ClinVar (database versions not stated): gnomAD 0.00001; TOPMed 0.00001; 1000 Genomes Project 0.00020; 1000 Genomes Project 30x 0.00031; gnomAD exomes 0.00001 and 0.00003; ExAC 0.00002.
gnomAD v4.1: 14 of 1,614,152 alleles (0.00087%); highest among the groups gnomAD compares: East Asian, 0.031%; no homozygotes.

Submissions (2):

Labcorp Genetics (formerly Invitae), Labcorp
Classification: Uncertain significance for Periodic fever-infantile enterocolitis-autoinflammatory syndrome; Familial cold autoinflammatory syndrome 4. Last evaluated: 2025-10-11. Review status: criteria provided, single submitter. Criteria: Invitae Variant Classification Sherloc (09022015). Collection method: clinical testing. Allele origin: germline.
Comment: This sequence change replaces glutamine, which is neutral and polar, with arginine, which is basic and polar, at codon 159 of the NLRC4 protein (p.Gln159Arg). This variant is present in population databases (rs200238071, gnomAD 0.04%). This variant has not been reported in the literature in individuals affected with NLRC4-related conditions. ClinVar contains an entry for this variant (Variation ID: 655811). Invitae Evidence Modeling of protein sequence and biophysical properties (such as structural, functional, and spatial information, amino acid conservation, physicochemical variation, residue mobility, and thermodynamic stability) indicates that this missense variant is not expected to disrupt NLRC4 protein function with a negative predictive value of 80%. In summary, the available evidence is currently insufficient to determine the role of this variant in disease. Therefore, it has been classified as a Variant of Uncertain Significance.

Ambry Genetics
Classification: Uncertain significance for Inborn genetic diseases. Last evaluated: 2023-02-28. Review status: criteria provided, single submitter. Criteria: Ambry Variant Classification Scheme 2023. Collection method: clinical testing. Allele origin: germline.